The following is an entry in ClinVar:

NM_000206.3(IL2RG):c.184T>A (p.Cys62Ser)

Gene: IL2RG (interleukin 2 receptor subunit gamma; minus strand). Cytogenetic location: Xq13.1.
Variant type: single nucleotide variant.
Coding change: c.184T>A on transcript NM_000206.3 (MANE Select); coding-DNA position 184, T replaced by A.
Protein change: p.Cys62Ser; replaces cysteine 62 with serine.
Molecular consequence: missense variant.
Genome position (GRCh38, 1-based): chrX:71,110,982, A>T on the plus strand (T>A on the coding strand, the complement: IL2RG is on the minus strand). VCF-style: chrX-71110982-A-T. GRCh37 (hg19) VCF-style: chrX-70330832-A-T.
Other names: NM_000206.3(IL2RG):c.184T>A; p.Cys62Ser; short protein forms C62S.
Identifiers: ClinVar variation 636917 (VCV000636917.1), dbSNP rs1602289649, ClinGen allele CA413497161.

ClinVar aggregate classification (germline): Likely pathogenic (3 of 4 stars; one submission).

Conditions:
X-linked severe combined immunodeficiency (SCIDX1). Also called: IMMUNODEFICIENCY 4; SCID, X-LINKED; SEVERE COMBINED IMMUNODEFICIENCY, X-LINKED, T CELL-NEGATIVE, B CELL-POSITIVE, NK CELL-NEGATIVE; T-B+ severe combined immunodeficiency due to gamma chain deficiency; X-Linked Combined Immunodeficiency Diseases. Identifiers: Orphanet 276, MedGen C6022468, MONDO:0010315, OMIM 300400. Disease mechanism: loss of function.

Submission:

ClinGen Severe Combined Immunodeficiency Variant Curation Expert Panel, ClinGen
Classification: Likely pathogenic for X-linked severe combined immunodeficiency. Last evaluated: 2024-05-28. Review status: reviewed by expert panel. Criteria: ClinGen SCID ACMG Specifications IL2RG V1.0.0. Collection method: curation. Allele origin: germline. Inheritance: X-linked inheritance.
Comment: NM_000206.3(IL2RG):c.184T>A is a missense variant predicted to cause substitution of Cysteine by Serine at amino acid 62 (p.Cys62Ser). This variant affects a conserved cysteine residue Cys62 (PM1_strong). The variant is absent in gnomAD v4 (PM2_supporting). (PMID : 35874699) (PP4_Moderate). In summary, this variant meets the criteria to be classified as a Likely Pathogenic variant for X-linked severe combined immunodeficiency due to IL2RG deficiency based on the ACMG/AMP criteria applied, as specified by the ClinGen SCID VCEP: PM1_strong, PM2_supporting, PP4_moderate (VCEP specifications version 1).